The following is an entry in ClinVar:

ClinVar aggregate classification (germline): Pathogenic (1 of 4 stars; one submission).

Submission:

Labcorp Genetics (formerly Invitae), Labcorp
Classification: Pathogenic. Last evaluated: 2026-01-13. Review status: criteria provided, single submitter. Criteria: Invitae Variant Classification Sherloc (09022015). Collection method: clinical testing. Allele origin: germline.
Comment: This sequence change creates a premature translational stop signal (p.Gln402Hisfs*6) in the PHEX gene. It is expected to result in an absent or disrupted protein product. Loss-of-function variants in PHEX are known to be pathogenic (PMID: 9097956, 9106524, 19219621). This variant is not present in population databases (gnomAD no frequency). This premature translational stop signal has been observed in individual(s) with hypophosphatemia (PMID: 29505567). In at least one individual the variant was observed to be de novo. ClinVar contains an entry for this variant (Variation ID: 1452954). For these reasons, this variant has been classified as Pathogenic.

Literature cited by the submitters: PubMed 9097956; PubMed 9106524; PubMed 19219621; PubMed 29505567.

NM_000444.6(PHEX):c.1206del (p.Gln402fs)

Gene: PHEX (phosphate regulating endopeptidase X-linked; plus strand). Cytogenetic location: Xp22.11.
Variant type: Deletion.
Coding change: c.1206del on transcript NM_000444.6 (MANE Select); coding-DNA position 1206, one base deleted (A; older notation c.1206delA).
Protein change: p.Gln402fs; shifts the reading frame from glutamine 402.
Molecular consequence: frameshift variant.
Genome position (GRCh38, 1-based): chrX:22,114,490, A deleted; the last of 2 consecutive A bases (chrX:22,114,489-22,114,490); deleting either gives the same sequence. VCF-style (leftmost placement, unchanged base first): chrX-22114488-CA-C. GRCh37 (hg19) VCF-style: chrX-22132606-CA-C.
Other names: c.1206del, p.Gln402fs (NM_001282754.2); short protein forms Q402fs.
Identifiers: ClinVar variation 1452954 (VCV001452954.8), dbSNP rs2147065629, ClinGen allele CA913187414.
Genomic context (GRCh38, chrX:22,114,488, plus strand): 5'-AGTTTAATCTGGATCAATTATCTCCCACAGGTAATCCAGGGGACCACAACTTTGCTGCCT[CA>C]ATGGGACAAATGTGTAAACTTTATTGAAAGTGCCCTCCCTTATGTTGTTGGAAAGATGTT-3'